The following is an entry in ClinVar:

ClinVar aggregate classification (germline): Uncertain significance. Review status: criteria provided, multiple submitters, no conflicts (2 of 4 stars). 5 submissions from 5 submitters: Uncertain significance (3). 2 of the submissions do not count toward it. Last evaluated 2026-06-08.

Conditions:
Retinal dystrophy. Also called: Inherited retinal dystrophy. Identifiers: Orphanet 71862, MedGen C0854723, MeSH D058499, MONDO:0019118, HP:0000556.
Autosomal recessive nonsyndromic hearing loss 2. Also called: NEUROSENSORY NONSYNDROMIC RECESSIVE DEAFNESS 2; DEAFNESS, AUTOSOMAL RECESSIVE 2. Identifiers: Orphanet 90636, MedGen C1838701, MONDO:0010807, OMIM 600060.
Usher syndrome type 1 (USH1). Also called: RETINITIS PIGMENTOSA AND CONGENITAL DEAFNESS. Identifiers: Orphanet 231169, Orphanet 886, MedGen C1568247, MONDO:0010168, OMIM 276900.

Allele frequency attached by ClinVar (database versions not stated): gnomAD 0.00001; TOPMed 0.00001; gnomAD exomes 0.00002.
gnomAD v4.1: 20 of 1,581,746 alleles (0.0013%); highest among the groups gnomAD compares: Admixed American, 0.0036%; no homozygotes.

Submissions (5):

Women's Health and Genetics/Laboratory Corporation of America, LabCorp
Classification: Uncertain significance. Last evaluated: 2026-06-08. Review status: criteria provided, single submitter. Criteria: LabCorp Variant Classification Summary - May 2015. Collection method: clinical testing. Allele origin: germline.
Comment: Variant summary: MYO7A c.1135G>A (p.Gly379Arg) results in a non-conservative amino acid change in the encoded protein sequence. Algorithms developed to predict the effect of missense changes on protein structure and function all suggest that this variant is likely to be disruptive. The variant allele was found at a frequency of 1.5e-05 in 196354 control chromosomes (gnomAD). The available data on variant occurrences in the general population are insufficient to allow any conclusion about variant significance. c.1135G>A has been observed in an individual undergoing testing for Usher Syndrome who had other MYO7A variants without information about phase (Ellingford_2016). This report does not provide unequivocal conclusions about association of the variant with disease. To our knowledge, no experimental evidence demonstrating an impact on protein function has been reported. The following publication has been ascertained in the context of this evaluation (PMID: 27208204). ClinVar contains an entry for this variant (Variation ID: 236486). Based on the evidence outlined above, the variant was classified as uncertain significance.

Labcorp Genetics (formerly Invitae), Labcorp
Classification: Uncertain significance. Last evaluated: 2025-04-14. Review status: criteria provided, single submitter. Criteria: Invitae Variant Classification Sherloc (09022015). Collection method: clinical testing. Allele origin: germline.
Comment: This sequence change replaces glycine, which is neutral and non-polar, with arginine, which is basic and polar, at codon 379 of the MYO7A protein (p.Gly379Arg). The frequency data for this variant in the population databases is considered unreliable, as metrics indicate poor data quality at this position in the gnomAD database. This missense change has been observed in individual(s) with clinical features of Usher syndrome (PMID: 27208204). ClinVar contains an entry for this variant (Variation ID: 236486). Invitae Evidence Modeling of protein sequence and biophysical properties (such as structural, functional, and spatial information, amino acid conservation, physicochemical variation, residue mobility, and thermodynamic stability) indicates that this missense variant is not expected to disrupt MYO7A protein function with a negative predictive value of 95%. Algorithms developed to predict the effect of sequence changes on RNA splicing suggest that this variant may disrupt the consensus splice site. In summary, the available evidence is currently insufficient to determine the role of this variant in disease. Therefore, it has been classified as a Variant of Uncertain Significance.

Blueprint Genetics
Classification: Uncertain significance. Last evaluated: 2024-05-21. Review status: criteria provided, single submitter. Criteria: ACMG Guidelines, 2015. Collection method: clinical testing. Allele origin: germline.

Counsyl
Classification: Uncertain significance for Usher syndrome type 1; Autosomal recessive nonsyndromic hearing loss 2. Last evaluated: 2018-06-03. Review status: no assertion criteria provided. Collection method: clinical testing. Allele origin: unknown. Not counted in ClinVar's aggregate classification.

Centre for Genomic Medicine, Manchester, Central Manchester University Hospitals
Classification: Uncertain significance for Retinal dystrophy. Review status: no assertion criteria provided. Collection method: clinical testing. Allele origin: germline. Affected: yes. Not counted in ClinVar's aggregate classification.

Literature cited by the submitters: PubMed 27208204 (cited by 3 submitters).

NM_000260.4(MYO7A):c.1135G>A (p.Gly379Arg)

Gene: MYO7A (myosin VIIA; plus strand). Cytogenetic location: 11q13.5.
Variant type: single nucleotide variant.
Coding change: c.1135G>A on transcript NM_000260.4 (MANE Select); coding-DNA position 1135, G replaced by A.
Protein change: p.Gly379Arg; replaces glycine 379 with arginine.
Molecular consequence: missense variant.
Genome position (GRCh38, 1-based): chr11:77,160,217, G>A. VCF-style: chr11-77160217-G-A. GRCh37 (hg19) VCF-style: chr11-76871263-G-A.
Other names: c.1135G>A, p.Gly379Arg (NM_001127180.2); c.1102G>A, p.Gly368Arg (NM_001369365.1); short protein forms G379R, G368R.
Identifiers: ClinVar variation 236486 (VCV000236486.5), dbSNP rs878853377, ClinGen allele CA10581680.